The following is an entry in ClinVar:

ClinVar aggregate classification (germline): Uncertain significance (1 of 4 stars; one submission).

Conditions:
PLXNA1-related disorder. Also called: PLXNA1-related condition.

Submission:

PreventionGenetics, part of Exact Sciences
Classification: Uncertain significance for PLXNA1-related condition. Last evaluated: 2026-03-11. Review status: criteria provided, single submitter. Criteria: ACMG Guidelines, 2015. Collection method: clinical testing. Allele origin: germline.
Comment: The PLXNA1 c.1334G>T variant is predicted to result in the amino acid substitution p.Arg445Leu. To our knowledge, this variant has not been reported in the literature. This variant is reported in 0.011% of alleles in individuals of East Asian descent in gnomAD. At this time, the clinical significance of this variant is uncertain due to the absence of conclusive functional and genetic evidence.

NM_032242.4(PLXNA1):c.1334G>T (p.Arg445Leu)

Gene: PLXNA1 (plexin A1; plus strand). Cytogenetic location: 3q21.3.
Variant type: single nucleotide variant.
Coding change: c.1334G>T on transcript NM_032242.4 (MANE Select); coding-DNA position 1334, G replaced by T.
Protein change: p.Arg445Leu; replaces arginine 445 with leucine.
Molecular consequence: missense variant.
Genome position (GRCh38, 1-based): chr3:126,991,523, G>T. VCF-style: chr3-126991523-G-T. GRCh37 (hg19) VCF-style: chr3-126710366-G-T.
Other names: short protein forms R445L.
Identifiers: ClinVar variation 4999911 (VCV004999911.1).
Genomic context (GRCh38, chr3:126,991,523, plus strand): 5'-CCCTGTTCGTGGACAAGGATGATGGCCTGACCGCCGTGGCTGCCTATGACTATCGGGGCC[G>T]CACTGTGGTATTCGCCGGCACGCGAAGTGGCCGCATCCGCAAGGTCAGGCCTGGGTGGGG-3'
Protein context (NP_115618.3, residues 435-455): TAVAAYDYRG[Arg445Leu]TVVFAGTRSG